The following is an entry in ClinVar:

NM_001220.5(CAMK2B):c.1586T>G (p.Leu529Arg)

Gene: CAMK2B (calcium/calmodulin dependent protein kinase II beta; minus strand). Cytogenetic location: 7p13.
Variant type: single nucleotide variant.
Coding change: c.1586T>G on transcript NM_001220.5 (MANE Select); coding-DNA position 1586, T replaced by G.
Protein change: p.Leu529Arg; replaces leucine 529 with arginine.
Molecular consequence: missense variant. On other transcripts: intron variant (8).
Genome position (GRCh38, 1-based): chr7:44,226,527, A>C on the plus strand (T>G on the coding strand, the complement: CAMK2B is on the minus strand). VCF-style: chr7-44226527-A-C. GRCh37 (hg19) VCF-style: chr7-44266126-A-C.
Other names: c.947-5626T>G (NM_172084.3); c.1150+4479T>G (NM_172080.3); c.1036+4479T>G (NM_172083.3); c.1108+4479T>G (NM_172081.3); c.1153+4479T>G (NM_172079.3, NM_172082.3); c.1225+4479T>G (NM_001293170.2, NM_172078.3); short protein forms L529R.
Identifiers: ClinVar variation 2041704 (VCV002041704.4), dbSNP rs752168876, ClinGen allele CA4240226.

ClinVar aggregate classification (germline): Uncertain significance (1 of 4 stars; one submission).

Allele frequency attached by ClinVar (database versions not stated): TOPMed below 0.00001; ExAC 0.00001; gnomAD exomes 0.00002.
gnomAD v4.1: 32 of 1,449,578 alleles (0.0022%); highest among the groups gnomAD compares: Non-Finnish European, 0.0027%; no homozygotes.

Submission:

Labcorp Genetics (formerly Invitae), Labcorp
Classification: Uncertain significance. Last evaluated: 2023-12-19. Review status: criteria provided, single submitter. Criteria: Invitae Variant Classification Sherloc (09022015). Collection method: clinical testing. Allele origin: germline.
Comment: This sequence change replaces leucine, which is neutral and non-polar, with arginine, which is basic and polar, at codon 529 of the CAMK2B protein (p.Leu529Arg). This variant is present in population databases (rs752168876, gnomAD 0.002%). This variant has not been reported in the literature in individuals affected with CAMK2B-related conditions. ClinVar contains an entry for this variant (Variation ID: 2041704). An algorithm developed to predict the effect of missense changes on protein structure and function (PolyPhen-2) suggests that this variant is likely to be disruptive. In summary, the available evidence is currently insufficient to determine the role of this variant in disease. Therefore, it has been classified as a Variant of Uncertain Significance.